The following is an entry in ClinVar:

NM_002972.4(SBF1):c.5197C>T (p.Arg1733Cys)

Gene: SBF1 (SET binding factor 1; minus strand). Cytogenetic location: 22q13.33.
Variant type: single nucleotide variant.
Coding change: c.5197C>T on transcript NM_002972.4 (MANE Select); coding-DNA position 5197, C replaced by T.
Protein change: p.Arg1733Cys; replaces arginine 1733 with cysteine.
Molecular consequence: missense variant.
Genome position (GRCh38, 1-based): chr22:50,448,399, G>A on the plus strand (C>T on the coding strand, the complement: SBF1 is on the minus strand). VCF-style: chr22-50448399-G-A. GRCh37 (hg19) VCF-style: chr22-50886828-G-A.
Other names: c.5122C>T, p.Arg1708Cys (NM_001365819.1); short protein forms R1708C, R1733C.
Identifiers: ClinVar variation 1163181 (VCV001163181.20), dbSNP rs199972466, ClinGen allele CA10315932.

ClinVar aggregate classification (germline): Conflicting classifications of pathogenicity. Review status: criteria provided, conflicting classifications (1 of 4 stars). 6 submissions from 6 submitters: Uncertain significance (3); Likely benign (3). Last evaluated 2026-07-01.

Conditions:
SBF1-related disorder. Also called: SBF1-related condition.

Allele frequency attached by ClinVar (database versions not stated): ESP Exome Variant Server 0.00016; ExAC 0.00053; gnomAD 0.00055 and 0.00057; TOPMed 0.00063; gnomAD exomes 0.00066; 1000 Genomes Project 30x 0.00156; 1000 Genomes Project 0.00160.
gnomAD v4.1: 844 of 1,613,902 alleles (0.052%); highest among the groups gnomAD compares: Admixed American, 0.24%; 3 homozygotes.

Submissions (6):

CeGaT Center for Human Genetics Tuebingen
Classification: Likely benign. Last evaluated: 2026-07-01. Review status: criteria provided, single submitter. Criteria: CeGaT Center For Human Genetics Tuebingen Variant Classification Criteria Version 2. Collection method: clinical testing. Allele origin: germline. Affected: yes. Observed: 1 variant allele.
Comment: SBF1: BS2

Labcorp Genetics (formerly Invitae), Labcorp
Classification: Likely benign. Last evaluated: 2025-12-08. Review status: criteria provided, single submitter. Criteria: Invitae Variant Classification Sherloc (09022015). Collection method: clinical testing. Allele origin: germline.

PreventionGenetics, part of Exact Sciences
Classification: Likely benign for SBF1-related condition. Last evaluated: 2025-08-01. Review status: criteria provided, single submitter. Criteria: ACMG Guidelines, 2015. Collection method: clinical testing. Allele origin: germline.
Comment: This variant is classified as likely benign based on ACMG/AMP sequence variant interpretation guidelines (Richards et al. 2015 PMID: 25741868, with internal and published modifications).

GeneDx
Classification: Uncertain significance. Last evaluated: 2024-12-26. Review status: criteria provided, single submitter. Criteria: GeneDx Variant Classification Process June 2021. Collection method: clinical testing. Allele origin: germline. Affected: yes.
Comment: Reported previously in two siblings with axonal neuropathy, hearing loss, facial weakness, and bulbar features, however, the siblings harbored a second SBF1 variant on the same allele (in cis), and an SBF1 variant on the opposite allele (PMID: 28005197); In silico analysis supports that this missense variant has a deleterious effect on protein structure/function; This variant is associated with the following publications: (PMID: 28005197, Lindzon2024[Preprint])

Blueprint Genetics
Classification: Uncertain significance. Last evaluated: 2024-10-18. Review status: criteria provided, single submitter. Criteria: ACMG Guidelines, 2015. Collection method: clinical testing. Allele origin: germline.

Mayo Clinic Laboratories, Mayo Clinic
Classification: Uncertain significance. Last evaluated: 2021-04-15. Review status: criteria provided, single submitter. Criteria: ACMG Guidelines, 2015. Collection method: clinical testing. Allele origin: germline.